The following is an entry in ClinVar:

NM_001303052.2(MYT1L):c.1803G>A (p.Ser601=)

Gene: MYT1L (myelin transcription factor 1 like; minus strand). Cytogenetic location: 2p25.3.
Variant type: single nucleotide variant.
Coding change: c.1803G>A on transcript NM_001303052.2 (MANE Select); coding-DNA position 1803, G replaced by A.
Protein change: p.Ser601=; no amino-acid change (serine 601 retained).
Molecular consequence: synonymous variant.
Genome position (GRCh38, 1-based): chr2:1,910,254, C>T on the plus strand (G>A on the coding strand, the complement: MYT1L is on the minus strand). VCF-style: chr2-1910254-C-T. GRCh37 (hg19) VCF-style: chr2-1914026-C-T.
Other names: c.1803G>A, p.Ser601= (NM_001329844.2, NM_001329845.1, NM_001329851.3); c.1797G>A, p.Ser599= (NM_001329846.3, NM_001329847.2, NM_001329848.1 and 3 more transcripts).
Identifiers: ClinVar variation 3341580 (VCV003341580.16).

ClinVar aggregate classification (germline): Likely benign (1 of 4 stars; one submission).

gnomAD v4.1: 25 of 1,613,102 alleles (0.0015%); highest among the groups gnomAD compares: South Asian, 0.0088%; no homozygotes.

Submission:

CeGaT Center for Human Genetics Tuebingen
Classification: Likely benign. Last evaluated: 2024-08-01. Review status: criteria provided, single submitter. Criteria: CeGaT Center For Human Genetics Tuebingen Variant Classification Criteria Version 2. Collection method: clinical testing. Allele origin: germline. Affected: yes. Observed: 1 variant allele.
Comment: MYT1L: BP4, BP7